The following is an entry in ClinVar:

ClinVar aggregate classification (germline): Conflicting classifications of pathogenicity. Review status: criteria provided, conflicting classifications (1 of 4 stars). 3 submissions from 3 submitters: Uncertain significance (1); Likely benign (2). Last evaluated 2025-06-20.

Conditions:
Inborn genetic diseases. Identifiers: MedGen C0950123, MeSH D030342.

Allele frequency attached by ClinVar (database versions not stated): TOPMed 0.00001; ExAC 0.00003.
gnomAD v4.1: 8 of 1,610,220 alleles (0.0005%); highest among the groups gnomAD compares: Admixed American, 0.012%; no homozygotes.

Submissions (3):

Athena Diagnostics
Classification: Likely benign. Last evaluated: 2025-06-20. Review status: criteria provided, single submitter. Criteria: Athena Diagnostics Criteria. Collection method: clinical testing. Allele origin: unknown.
Comment: The frequency of this variant in the general population is higher than would generally be expected for pathogenic variants in this gene. Computational tools predict this amino acid change may be benign.

Ambry Genetics
Classification: Uncertain significance for Inborn genetic diseases. Last evaluated: 2024-06-16. Review status: criteria provided, single submitter. Criteria: Ambry Variant Classification Scheme 2023. Collection method: clinical testing. Allele origin: germline.

Labcorp Genetics (formerly Invitae), Labcorp
Classification: Likely benign. Last evaluated: 2023-04-25. Review status: criteria provided, single submitter. Criteria: Invitae Variant Classification Sherloc (09022015). Collection method: clinical testing. Allele origin: germline.

NM_000435.3(NOTCH3):c.4939C>G (p.Leu1647Val)

Gene: NOTCH3 (notch receptor 3; minus strand). Cytogenetic location: 19p13.12.
Variant type: single nucleotide variant.
Coding change: c.4939C>G on transcript NM_000435.3 (MANE Select); coding-DNA position 4939, C replaced by G.
Protein change: p.Leu1647Val; replaces leucine 1647 with valine.
Molecular consequence: missense variant.
Genome position (GRCh38, 1-based): chr19:15,170,506, G>C on the plus strand (C>G on the coding strand, the complement: NOTCH3 is on the minus strand). VCF-style: chr19-15170506-G-C. GRCh37 (hg19) VCF-style: chr19-15281317-G-C.
Other names: c.4939C>G (NM_000435.2); short protein forms L1647V.
Identifiers: ClinVar variation 1970843 (VCV001970843.7), dbSNP rs758396008, ClinGen allele CA9262777.